The following is an entry in ClinVar:

ClinVar aggregate classification (germline): Likely benign. Review status: criteria provided, multiple submitters, no conflicts (2 of 4 stars). 2 submissions from 2 submitters: Likely benign (2). Last evaluated 2024-05-29.

Allele frequency attached by ClinVar (database versions not stated): TOPMed 0.00005; gnomAD 0.00009; ExAC 0.00040.
gnomAD v4.1: 213 of 1,521,022 alleles (0.014%); highest among the groups gnomAD compares: Non-Finnish European, 0.011%; no homozygotes.

Submissions (2):

Labcorp Genetics (formerly Invitae), Labcorp
Classification: Likely benign. Last evaluated: 2024-05-29. Review status: criteria provided, single submitter. Criteria: Invitae Variant Classification Sherloc (09022015). Collection method: clinical testing. Allele origin: germline.

CeGaT Center for Human Genetics Tuebingen
Classification: Likely benign. Last evaluated: 2023-01-01. Review status: criteria provided, single submitter. Criteria: CeGaT Center For Human Genetics Tuebingen Variant Classification Criteria Version 2. Collection method: clinical testing. Allele origin: germline. Affected: yes. Observed: 1 variant allele.
Comment: CASZ1: BP4

NM_001079843.3(CASZ1):c.460G>A (p.Ala154Thr)

Gene: CASZ1 (castor zinc finger 1; minus strand). Cytogenetic location: 1p36.22.
Variant type: single nucleotide variant.
Coding change: c.460G>A on transcript NM_001079843.3 (MANE Select); coding-DNA position 460, G replaced by A.
Protein change: p.Ala154Thr; replaces alanine 154 with threonine.
Molecular consequence: missense variant.
Genome position (GRCh38, 1-based): chr1:10,665,128, C>T on the plus strand (G>A on the coding strand, the complement: CASZ1 is on the minus strand). VCF-style: chr1-10665128-C-T. GRCh37 (hg19) VCF-style: chr1-10725185-C-T.
Other names: c.460G>A, p.Ala154Thr (NM_017766.5); short protein forms A154T.
Identifiers: ClinVar variation 2638213 (VCV002638213.26), dbSNP rs752481619, ClinGen allele CA585438.